The following is an entry in ClinVar:

ClinVar aggregate classification (germline): Likely pathogenic (1 of 4 stars; one submission).

Conditions:
Sotos syndrome (SOTOS). Also called: CEREBRAL GIGANTISM; Sotos' syndrome; Distinctive facial appearance, overgrowth in childhood, and learning disabilities or delayed development; SOTOS SYNDROME 1; CHROMOSOME 5q35 DELETION SYNDROME. Identifiers: Orphanet 821, MedGen C0175695, MONDO:0019349, OMIM 117550.

Submission:

3billion
Classification: Likely pathogenic for Sotos syndrome. Last evaluated: 2024-09-28. Review status: criteria provided, single submitter. Criteria: ACMG Guidelines, 2015. Collection method: clinical testing. Allele origin: germline. Affected: yes.
Comment: The variant is not observed in the gnomAD v4.1.0 dataset. Predicted Consequence/Location: Frameshift: predicted to result in a loss or disruption of normal protein function through nonsense-mediated decay (NMD) or protein truncation. Multiple pathogenic variants are reported downstream of the variant. Therefore, this variant is classified as Likely pathogenic according to the recommendation of ACMG/AMP guideline.

NM_022455.5(NSD1):c.5480del (p.Gly1827fs)

Genes: NSD1 (nuclear receptor binding SET domain protein 1; plus strand), LOC126807619 (MED14-independent group 3 enhancer GRCh37_chr5:176696443-176697642; plus strand). Cytogenetic location: 5q35.3.
Variant type: Deletion.
Coding change: c.5480del on transcript NM_022455.5 (MANE Select); coding-DNA position 5480, one base deleted (G; older notation c.5480delG).
Protein change: p.Gly1827fs; shifts the reading frame from glycine 1827.
Molecular consequence: frameshift variant.
Genome position (GRCh38, 1-based): chr5:177,269,778, G deleted; the last of 3 consecutive G bases (chr5:177,269,776-177,269,778); deleting any one gives the same sequence. VCF-style (leftmost placement, unchanged base first): chr5-177269775-TG-T. GRCh37 (hg19) VCF-style: chr5-176696776-TG-T.
Other names: c.4607del, p.Gly1536fs (NM_001365684.2, NM_001409308.1, NM_001409309.1 and 1 more transcripts); c.5480del, p.Gly1827fs (NM_001409301.1, NM_001409302.1, NM_001409303.1); c.5060del, p.Gly1687fs (NM_001409304.1); c.4727del, p.Gly1576fs (NM_001409305.1); c.4718del, p.Gly1573fs (NM_001409306.1, NM_001409307.1); short protein forms G1536fs, G1573fs, G1576fs, G1687fs, G1827fs.
Identifiers: ClinVar variation 4292824 (VCV004292824.1).